The following is an entry in ClinVar:

NM_147127.5(EVC2):c.1711-2A>C

Gene: EVC2 (EvC ciliary complex subunit 2; minus strand). Cytogenetic location: 4p16.2.
Variant type: single nucleotide variant.
Coding change: c.1711-2A>C on transcript NM_147127.5 (MANE Select); the canonical splice acceptor site of the intron before coding-DNA position 1711, A replaced by C.
Molecular consequence: splice acceptor variant.
Genome position (GRCh38, 1-based): chr4:5,628,736, T>G on the plus strand (A>C on the coding strand, the complement: EVC2 is on the minus strand). VCF-style: chr4-5628736-T-G. GRCh37 (hg19) VCF-style: chr4-5630463-T-G.
Other names: c.1471-2A>C (NM_001166136.2).
Identifiers: ClinVar variation 4852524 (VCV004852524.1).

ClinVar aggregate classification (germline): Pathogenic (0 of 4 stars; one submission).

Conditions:
Ellis-van Creveld syndrome (EVC). Also called: MESOECTODERMAL DYSPLASIA; Chondroectodermal dysplasia. Identifiers: Orphanet 289, MedGen C0013903, MONDO:0009162, OMIM 225500.

Submission:

Medical Genetics Center, Maternal and Child Health Hospital of Hubei Province
Classification: Pathogenic for Ellis-van Creveld syndrome. Last evaluated: 2026-05-14. Review status: no assertion criteria provided. Collection method: clinical testing. Allele origin: paternal. Affected: yes.
Comment: PVS1+ PM2_Supporting+PM3